The following is an entry in ClinVar:

NM_014000.3(VCL):c.437C>A (p.Thr146Lys)

Gene: VCL (vinculin; plus strand). Cytogenetic location: 10q22.2.
Variant type: single nucleotide variant.
Coding change: c.437C>A on transcript NM_014000.3 (MANE Select); coding-DNA position 437, C replaced by A.
Protein change: p.Thr146Lys; replaces threonine 146 with lysine.
Molecular consequence: missense variant.
Genome position (GRCh38, 1-based): chr10:74,071,021, C>A. VCF-style: chr10-74071021-C-A. GRCh37 (hg19) VCF-style: chr10-75830779-C-A.
Other names: c.437C>A, p.Thr146Lys (NM_003373.4); short protein forms T146K.
Identifiers: ClinVar variation 536712 (VCV000536712.8), dbSNP rs1421034616, ClinGen allele CA377266494.

ClinVar aggregate classification (germline): Uncertain significance (1 of 4 stars; one submission).

Conditions:
Dilated cardiomyopathy 1W (CMD1W). Identifiers: Orphanet 154, MedGen C1969639, MONDO:0012667, OMIM 611407.

Submission:

Labcorp Genetics (formerly Invitae), Labcorp
Classification: Uncertain significance for Dilated cardiomyopathy 1W. Last evaluated: 2021-07-13. Review status: criteria provided, single submitter. Criteria: Invitae Variant Classification Sherloc (09022015). Collection method: clinical testing. Allele origin: germline.
Comment: This variant is not present in population databases (ExAC no frequency). This sequence change replaces threonine with lysine at codon 146 of the VCL protein (p.Thr146Lys). The threonine residue is highly conserved and there is a moderate physicochemical difference between threonine and lysine. This variant has not been reported in the literature in individuals affected with VCL-related conditions. In summary, the available evidence is currently insufficient to determine the role of this variant in disease. Therefore, it has been classified as a Variant of Uncertain Significance. Algorithms developed to predict the effect of missense changes on protein structure and function are either unavailable or do not agree on the potential impact of this missense change (SIFT: "Not Available"; PolyPhen-2: "Benign"; Align-GVGD: "Not Available"). ClinVar contains an entry for this variant (Variation ID: 536712).